The following is an entry in ClinVar:

ClinVar aggregate classification (germline): Uncertain significance (1 of 4 stars; one submission).

Allele frequency attached by ClinVar (database versions not stated): gnomAD exomes below 0.00001; TOPMed below 0.00001; ExAC 0.00001.
gnomAD v4.1: 1 of 1,614,170 alleles (0.000062%); highest among the groups gnomAD compares: Non-Finnish European, 0.000085%; no homozygotes.

Submission:

Labcorp Genetics (formerly Invitae), Labcorp
Classification: Uncertain significance. Last evaluated: 2022-06-13. Review status: criteria provided, single submitter. Criteria: Invitae Variant Classification Sherloc (09022015). Collection method: clinical testing. Allele origin: germline.
Comment: In summary, the available evidence is currently insufficient to determine the role of this variant in disease. Therefore, it has been classified as a Variant of Uncertain Significance. Advanced modeling of protein sequence and biophysical properties (such as structural, functional, and spatial information, amino acid conservation, physicochemical variation, residue mobility, and thermodynamic stability) performed at Invitae indicates that this missense variant is not expected to disrupt FLNB protein function. This variant has not been reported in the literature in individuals affected with FLNB-related conditions. This variant is present in population databases (rs763138719, gnomAD 0.0009%). This sequence change replaces histidine, which is basic and polar, with leucine, which is neutral and non-polar, at codon 1765 of the FLNB protein (p.His1765Leu).

NM_001457.4(FLNB):c.5294A>T (p.His1765Leu)

Gene: FLNB (filamin B; plus strand). Cytogenetic location: 3p14.3.
Variant type: single nucleotide variant.
Coding change: c.5294A>T on transcript NM_001457.4 (MANE Select); coding-DNA position 5294, A replaced by T.
Protein change: p.His1765Leu; replaces histidine 1765 with leucine.
Molecular consequence: missense variant.
Genome position (GRCh38, 1-based): chr3:58,143,482, A>T. VCF-style: chr3-58143482-A-T. GRCh37 (hg19) VCF-style: chr3-58129209-A-T.
Other names: c.5387A>T, p.His1796Leu (NM_001164317.2); c.5261A>T, p.His1754Leu (NM_001164318.2); c.5222A>T, p.His1741Leu (NM_001164319.2); short protein forms H1741L, H1754L, H1765L, H1796L.
Identifiers: ClinVar variation 1402682 (VCV001402682.8), dbSNP rs763138719, ClinGen allele CA2469029.